The following is an entry in ClinVar:

NM_001114753.3(ENG):c.1675dup (p.Ser559fs)

Genes: ENG (endoglin; minus strand), LOC102723566 (uncharacterized LOC102723566; plus strand). Cytogenetic location: 9q34.11.
Variant type: Duplication.
Coding change: c.1675dup on transcript NM_001114753.3 (MANE Select); coding-DNA position 1675, one base duplicated (T; older notation c.1675dupT).
Protein change: p.Ser559fs; shifts the reading frame from serine 559.
Molecular consequence: frameshift variant.
Genome position (GRCh38, 1-based): chr9:127,818,131, A duplicated on the plus strand (T on the coding strand, the reverse complement: ENG is on the minus strand). VCF-style (leftmost placement, unchanged base first): chr9-127818130-G-GA. GRCh37 (hg19) VCF-style: chr9-130580409-G-GA.
Other names: c.1675dup, p.Ser559Phefs (NM_000118.4); c.1129dup, p.Ser377fs (NM_001278138.2); short protein forms S559fs, S377fs.
Identifiers: ClinVar variation 1457158 (VCV001457158.10), dbSNP rs2131875524, ClinGen allele CA2573143968.
Genomic context (GRCh38, chr9:127,818,130, plus strand): 5'-AGACCTGGAAGCTCCCACTTGAAGCTGGGGCCGGCCCAGGCCCCACTCACCTGGTCTTGA[G>GA]ACCCGGTCTTGGGACGCAGGGCTACCGTGCAGCTGAGGGTGCCGGTTTTGGGTATGGGTA-3'

ClinVar aggregate classification (germline): Pathogenic (1 of 4 stars; one submission).

Conditions:
Hereditary hemorrhagic telangiectasia (HHT). Also called: ORW DISEASE; Osler Weber Rendu syndrome; OSLER-RENDU-WEBER DISEASE; Osler hemorrhagic telangiectasia syndrome. Identifiers: Orphanet 774, MedGen C0039445, MONDO:0019180. Disease mechanism: loss of function.

Submission:

Labcorp Genetics (formerly Invitae), Labcorp
Classification: Pathogenic for Hereditary hemorrhagic telangiectasia. Last evaluated: 2021-03-09. Review status: criteria provided, single submitter. Criteria: Invitae Variant Classification Sherloc (09022015). Collection method: clinical testing. Allele origin: germline.
Comment: For these reasons, this variant has been classified as Pathogenic. This variant disrupts the C-terminus of the ENG protein. Other variant(s) that disrupt this region (p.Gln560*) have been determined to be pathogenic (PMID: 15517393). This suggests that variants that disrupt this region of the protein are likely to be causative of disease. This variant has not been reported in the literature in individuals with ENG-related conditions. This variant is not present in population databases (ExAC no frequency). This sequence change creates a premature translational stop signal (p.Ser559Phefs*8) in the ENG gene. While this is not anticipated to result in nonsense mediated decay, it is expected to disrupt the last 67 amino acid(s) of the ENG protein.

Literature cited by the submitters: PubMed 15517393.